The following is an entry in ClinVar:

NM_000441.2(SLC26A4):c.1445G>A (p.Trp482Ter)

Gene: SLC26A4 (solute carrier family 26 member 4; plus strand). Cytogenetic location: 7q22.3.
Variant type: single nucleotide variant.
Coding change: c.1445G>A on transcript NM_000441.2 (MANE Select); coding-DNA position 1445, G replaced by A.
Protein change: p.Trp482Ter; replaces tryptophan 482 with a stop codon.
Molecular consequence: nonsense.
Genome position (GRCh38, 1-based): chr7:107,695,940, G>A. VCF-style: chr7-107695940-G-A. GRCh37 (hg19) VCF-style: chr7-107336385-G-A.
Other names: short protein forms W482*.
Identifiers: ClinVar variation 4818365 (VCV004818365.1).

ClinVar aggregate classification (germline): Likely pathogenic (1 of 4 stars; one submission).

Conditions:
Pendred syndrome (PDS). Also called: THYROID DYSHORMONOGENESIS 2B; THYROID HORMONOGENESIS, GENETIC DEFECT IN, 2B; Pendred Syndrome (PDS); DEAFNESS WITH GOITER; GOITER-DEAFNESS SYNDROME; HYPOTHYROIDISM, CONGENITAL, DUE TO DYSHORMONOGENESIS, 2B. Identifiers: Orphanet 705, MedGen C0271829, MONDO:0010134, OMIM 274600.

gnomAD v4.1: 1 of 1,578,128 alleles (0.000063%); no homozygotes.

Submission:

Natera, Inc.
Classification: Likely pathogenic for Pendred syndrome. Last evaluated: 2024-05-01. Review status: criteria provided, single submitter. Criteria: Natera Variant Classification Schema (03/2026). Collection method: clinical testing. Allele origin: germline.
Comment: The c.1445G>A variant in SLC26A4 is a nonsense variant predicted to introduce a stop codon at amino acid 482. This variant is expected to result in nonsense mediated decay, truncation, or a dysfunctional protein product. This variant is rare in the general population with a frequency below the threshold expected for the associated phenotype(s). Given the available evidence, this variant is classified as Likely Pathogenic.